The following is an entry in ClinVar:

NM_152594.3(SPRED1):c.602G>T (p.Gly201Val)

Gene: SPRED1 (sprouty related EVH1 domain containing 1; plus strand). Cytogenetic location: 15q14.
Variant type: single nucleotide variant.
Coding change: c.602G>T on transcript NM_152594.3 (MANE Select); coding-DNA position 602, G replaced by T.
Protein change: p.Gly201Val; replaces glycine 201 with valine.
Molecular consequence: missense variant.
Genome position (GRCh38, 1-based): chr15:38,349,441, G>T. VCF-style: chr15-38349441-G-T. GRCh37 (hg19) VCF-style: chr15-38641642-G-T.
Other names: c.602G>T (NM_152594.2); short protein forms G201V.
Identifiers: ClinVar variation 2955685 (VCV002955685.5), dbSNP rs1896206860, ClinGen allele CA391932810.

ClinVar aggregate classification (germline): Uncertain significance. Review status: criteria provided, multiple submitters, no conflicts (2 of 4 stars). 2 submissions from 2 submitters: Uncertain significance (2). Last evaluated 2025-05-31.

Conditions:
Legius syndrome. Identifiers: Orphanet 137605, MedGen C1969623, MONDO:0012669, OMIM 611431. Disease mechanism: loss of function.
Cardiovascular phenotype. Identifiers: MedGen CN230736.

Allele frequency attached by ClinVar (database versions not stated): TOPMed below 0.00001.

Submissions (2):

Ambry Genetics
Classification: Uncertain significance for Cardiovascular phenotype. Last evaluated: 2025-05-31. Review status: criteria provided, single submitter. Criteria: Ambry Variant Classification Scheme 2023. Collection method: clinical testing. Allele origin: germline.
Comment: The p.G201V variant (also known as c.602G>T), located in coding exon 6 of the SPRED1 gene, results from a G to T substitution at nucleotide position 602. The glycine at codon 201 is replaced by valine, an amino acid with dissimilar properties. This amino acid position is conserved. In addition, this alteration is predicted to be tolerated by in silico analysis. Based on the available evidence, the clinical significance of this variant remains unclear.

Labcorp Genetics (formerly Invitae), Labcorp
Classification: Uncertain significance for Legius syndrome. Last evaluated: 2024-04-15. Review status: criteria provided, single submitter. Criteria: Invitae Variant Classification Sherloc (09022015). Collection method: clinical testing. Allele origin: germline.
Comment: This sequence change replaces glycine, which is neutral and non-polar, with valine, which is neutral and non-polar, at codon 201 of the SPRED1 protein (p.Gly201Val). This variant is not present in population databases (gnomAD no frequency). This variant has not been reported in the literature in individuals affected with SPRED1-related conditions. Advanced modeling of protein sequence and biophysical properties (such as structural, functional, and spatial information, amino acid conservation, physicochemical variation, residue mobility, and thermodynamic stability) performed at Invitae indicates that this missense variant is not expected to disrupt SPRED1 protein function with a negative predictive value of 80%. In summary, the available evidence is currently insufficient to determine the role of this variant in disease. Therefore, it has been classified as a Variant of Uncertain Significance.